The following is an entry in ClinVar:

ClinVar aggregate classification (germline): Uncertain significance (1 of 4 stars; one submission).

Conditions:
Glaucoma 3, primary congenital, D. Identifiers: Orphanet 98976, MedGen C2751316, MONDO:0013122, OMIM 613086.

Allele frequency attached by ClinVar (database versions not stated): gnomAD exomes below 0.00001; ExAC 0.00002; TOPMed 0.00002.
gnomAD v4.1: 2 of 1,613,730 alleles (0.00012%); highest among the groups gnomAD compares: East Asian, 0.0022%; no homozygotes.

Submission:

Labcorp Genetics (formerly Invitae), Labcorp
Classification: Uncertain significance. Last evaluated: 2022-03-19. Review status: criteria provided, single submitter. Criteria: Invitae Variant Classification Sherloc (09022015). Collection method: clinical testing. Allele origin: germline.
Comment: This sequence change falls in intron 9 of the LTBP2 gene. It does not directly change the encoded amino acid sequence of the LTBP2 protein. This variant is present in population databases (rs770286984, gnomAD 0.006%). This variant has not been reported in the literature in individuals affected with LTBP2-related conditions. Algorithms developed to predict the effect of sequence changes on RNA splicing suggest that this variant may disrupt the consensus splice site. In summary, the available evidence is currently insufficient to determine the role of this variant in disease. Therefore, it has been classified as a Variant of Uncertain Significance.

NM_000428.3(LTBP2):c.1865-19A>G

Gene: LTBP2 (latent transforming growth factor beta binding protein 2; minus strand). Cytogenetic location: 14q24.3.
Variant type: single nucleotide variant.
Coding change: c.1865-19A>G on transcript NM_000428.3 (MANE Select); 19 bases into the intron before coding-DNA position 1865, A replaced by G.
Molecular consequence: intron variant.
Genome position (GRCh38, 1-based): chr14:74,532,567, T>C on the plus strand (A>G on the coding strand, the complement: LTBP2 is on the minus strand). VCF-style: chr14-74532567-T-C. GRCh37 (hg19) VCF-style: chr14-74999270-T-C.
Identifiers: ClinVar variation 1810307 (VCV001810307.7), dbSNP rs770286984, ClinGen allele CA7269724.